The following is an entry in ClinVar:

ClinVar aggregate classification (germline): Likely benign. Review status: criteria provided, multiple submitters, no conflicts (2 of 4 stars). 2 submissions from 2 submitters: Likely benign (2). Last evaluated 2026-04-01.

Allele frequency attached by ClinVar (database versions not stated): gnomAD exomes 0.00001; TOPMed 0.00001; gnomAD 0.00001.
gnomAD v4.1: 8 of 1,613,286 alleles (0.0005%); highest among the groups gnomAD compares: Admixed American, 0.012%; no homozygotes.

Submissions (2):

CeGaT Center for Human Genetics Tuebingen
Classification: Likely benign. Last evaluated: 2026-04-01. Review status: criteria provided, single submitter. Criteria: CeGaT Center For Human Genetics Tuebingen Variant Classification Criteria Version 2. Collection method: clinical testing. Allele origin: germline. Affected: yes. Observed: 1 variant allele.
Comment: FBXO11: BP4, BP7

Labcorp Genetics (formerly Invitae), Labcorp
Classification: Likely benign. Last evaluated: 2025-08-18. Review status: criteria provided, single submitter. Criteria: Invitae Variant Classification Sherloc (09022015). Collection method: clinical testing. Allele origin: germline.

NM_001190274.2(FBXO11):c.2673T>C (p.Gly891=)

Genes: FBXO11 (F-box protein 11; minus strand), MSH6 (mutS homolog 6; plus strand). Cytogenetic location: 2p16.3.
Variant type: single nucleotide variant.
Coding change: c.2673T>C on transcript NM_001190274.2 (MANE Select); coding-DNA position 2673, T replaced by C.
Protein change: p.Gly891=; no amino-acid change (glycine 891 retained).
Molecular consequence: synonymous variant. On other transcripts: intron variant (6).
Genome position (GRCh38, 1-based): chr2:47,808,229, A>G on the plus strand (T>C on the coding strand, the complement: FBXO11 is on the minus strand). VCF-style: chr2-47808229-A-G. GRCh37 (hg19) VCF-style: chr2-48035368-A-G.
Other names: c.*40+1329A>G (NM_001406811.1, NM_001406805.1, NM_001406821.1 and 2 more transcripts); c.2421T>C, p.Gly807= (NM_001374325.1, NM_025133.4); c.*43+1326A>G (NM_001406809.1).
Identifiers: ClinVar variation 2175177 (VCV002175177.5), dbSNP rs903240623, ClinGen allele CA46721386.